The following is an entry in ClinVar:

NM_001111125.3(IQSEC2):c.3714G>A (p.Thr1238=)

Gene: IQSEC2 (IQ motif and Sec7 domain ArfGEF 2; minus strand). Cytogenetic location: Xp11.22.
Variant type: single nucleotide variant.
Coding change: c.3714G>A on transcript NM_001111125.3 (MANE Select); coding-DNA position 3714, G replaced by A.
Protein change: p.Thr1238=; no amino-acid change (threonine 1238 retained).
Molecular consequence: synonymous variant. On other transcripts: 3 prime UTR variant (1).
Genome position (GRCh38, 1-based): chrX:53,234,972, C>T on the plus strand (G>A on the coding strand, the complement: IQSEC2 is on the minus strand). VCF-style: chrX-53234972-C-T. GRCh37 (hg19) VCF-style: chrX-53264154-C-T.
Other names: c.*199G>A (NM_015075.2).
Identifiers: ClinVar variation 750305 (VCV000750305.10), dbSNP rs1355674546, ClinGen allele CA516673683.

ClinVar aggregate classification (germline): Likely benign. Review status: criteria provided, single submitter (1 of 4 stars). 2 submissions from 2 submitters: Likely benign (1). 1 of the submissions does not count toward it. Last evaluated 2024-10-14.

Conditions:
Intellectual developmental disorder, X-linked 1. Also called: Atkin Flaitz Patil Smith syndrome; MENTAL RETARDATION, X-LINKED 18; MENTAL RETARDATION, X-LINKED 78; Intellectual disability, X-linked 1. Identifiers: Orphanet 777, MedGen C2931498, MONDO:0010656, OMIM 309530.
IQSEC2-related disorder. Also called: IQSEC2-related condition.

Allele frequency attached by ClinVar (database versions not stated): TOPMed below 0.00001; gnomAD exomes below 0.00001.
gnomAD v4.1: 3 of 1,166,936 alleles (0.00026%); highest among the groups gnomAD compares: Middle Eastern, 0.024%; no homozygotes.

Submissions (2):

Labcorp Genetics (formerly Invitae), Labcorp
Classification: Likely benign for Intellectual developmental disorder, X-linked 1. Last evaluated: 2024-10-14. Review status: criteria provided, single submitter. Criteria: Invitae Variant Classification Sherloc (09022015). Collection method: clinical testing. Allele origin: germline.

PreventionGenetics, part of Exact Sciences
Classification: Likely benign for IQSEC2-related condition. Last evaluated: 2022-06-21. Review status: no assertion criteria provided. Collection method: clinical testing. Allele origin: germline. Not counted in ClinVar's aggregate classification.
Comment: This variant is classified as likely benign based on ACMG/AMP sequence variant interpretation guidelines (Richards et al. 2015 PMID: 25741868, with internal and published modifications).